The following is an entry in ClinVar:

ClinVar aggregate classification (germline): Uncertain significance. Review status: criteria provided, multiple submitters, no conflicts (2 of 4 stars). 3 submissions from 3 submitters: Uncertain significance (3). Last evaluated 2024-11-13.

Conditions:
Autosomal recessive osteopetrosis 2. Also called: OSTEOPETROSIS, MILD AUTOSOMAL RECESSIVE FORM. Identifiers: Orphanet 667, MedGen C1850126, MONDO:0009816, OMIM 259710.
Inborn genetic diseases. Identifiers: MedGen C0950123, MeSH D030342.

Allele frequency attached by ClinVar (database versions not stated): gnomAD 0.00005; gnomAD exomes 0.00006 and 0.00023; ExAC 0.00007; ESP Exome Variant Server 0.00008; TOPMed 0.00008.
gnomAD v4.1: 335 of 1,613,408 alleles (0.021%); highest among the groups gnomAD compares: Non-Finnish European, 0.028%; no homozygotes.

Submissions (3):

Ambry Genetics
Classification: Uncertain significance for Inborn genetic diseases. Last evaluated: 2024-11-13. Review status: criteria provided, single submitter. Criteria: Ambry Variant Classification Scheme 2023. Collection method: clinical testing. Allele origin: germline.

Labcorp Genetics (formerly Invitae), Labcorp
Classification: Uncertain significance. Last evaluated: 2022-04-11. Review status: criteria provided, single submitter. Criteria: Invitae Variant Classification Sherloc (09022015). Collection method: clinical testing. Allele origin: germline.
Comment: This sequence change replaces lysine, which is basic and polar, with threonine, which is neutral and polar, at codon 282 of the TNFSF11 protein (p.Lys282Thr). This variant is present in population databases (rs201151635, gnomAD 0.01%). This variant has not been reported in the literature in individuals affected with TNFSF11-related conditions. ClinVar contains an entry for this variant (Variation ID: 884201). Algorithms developed to predict the effect of missense changes on protein structure and function (SIFT, PolyPhen-2, Align-GVGD) all suggest that this variant is likely to be disruptive. In summary, the available evidence is currently insufficient to determine the role of this variant in disease. Therefore, it has been classified as a Variant of Uncertain Significance.

Illumina Laboratory Services, Illumina
Classification: Uncertain significance for Autosomal recessive osteopetrosis 2. Last evaluated: 2018-01-13. Review status: criteria provided, single submitter. Criteria: ICSL Variant Classification Criteria 13 December 2019. Collection method: clinical testing. Allele origin: germline.

NM_003701.4(TNFSF11):c.845A>C (p.Lys282Thr)

Gene: TNFSF11 (TNF superfamily member 11; plus strand). Cytogenetic location: 13q14.11.
Variant type: single nucleotide variant.
Coding change: c.845A>C on transcript NM_003701.4 (MANE Select); coding-DNA position 845, A replaced by C.
Protein change: p.Lys282Thr; replaces lysine 282 with threonine.
Molecular consequence: missense variant.
Genome position (GRCh38, 1-based): chr13:42,606,809, A>C. VCF-style: chr13-42606809-A-C. GRCh37 (hg19) VCF-style: chr13-43180945-A-C.
Other names: c.626A>C, p.Lys209Thr (NM_033012.4); short protein forms K282T, K209T.
Identifiers: ClinVar variation 884201 (VCV000884201.10), dbSNP rs201151635, ClinGen allele CA6967305.